The following is an entry in ClinVar:

ClinVar aggregate classification (germline): Uncertain significance. Review status: criteria provided, multiple submitters, no conflicts (2 of 4 stars). 2 submissions from 2 submitters: Uncertain significance (2). Last evaluated 2025-03-26.

Conditions:
Inborn genetic diseases. Identifiers: MedGen C0950123, MeSH D030342.
Leber congenital amaurosis 8 (LCA8). Identifiers: Orphanet 65, MedGen C3151202, MONDO:0013453, OMIM 613835.
Retinitis pigmentosa 12 (RP12). Also called: RP WITH OR WITHOUT PPRPE; RP WITH OR WITHOUT PRESERVED PARAARTERIOLE RETINAL PIGMENT EPITHELIUM; RETINITIS PIGMENTOSA WITH OR WITHOUT PARAARTERIOLAR PRESERVATION OF RETINAL PIGMENT EPITHELIUM. Identifiers: Orphanet 791, MedGen C1838647, MONDO:0010818, OMIM 600105.

Allele frequency attached by ClinVar (database versions not stated): ExAC 0.00001; gnomAD exomes 0.00001; TOPMed 0.00001; gnomAD 0.00002; 1000 Genomes Project 30x 0.00016; 1000 Genomes Project 0.00020.
gnomAD v4.1: 12 of 1,613,858 alleles (0.00074%); highest among the groups gnomAD compares: Admixed American, 0.005%; no homozygotes.

Submissions (2):

Ambry Genetics
Classification: Uncertain significance for Inborn genetic diseases. Last evaluated: 2025-03-26. Review status: criteria provided, single submitter. Criteria: Ambry Variant Classification Scheme 2023. Collection method: clinical testing. Allele origin: germline.

Labcorp Genetics (formerly Invitae), Labcorp
Classification: Uncertain significance for Leber congenital amaurosis 8; Retinitis pigmentosa 12. Last evaluated: 2022-08-23. Review status: criteria provided, single submitter. Criteria: Invitae Variant Classification Sherloc (09022015). Collection method: clinical testing. Allele origin: germline.
Comment: This sequence change replaces serine, which is neutral and polar, with asparagine, which is neutral and polar, at codon 1014 of the CRB1 protein (p.Ser1014Asn). This variant is present in population databases (rs541014050, gnomAD 0.003%). This variant has not been reported in the literature in individuals affected with CRB1-related conditions. Algorithms developed to predict the effect of missense changes on protein structure and function (SIFT, PolyPhen-2, Align-GVGD) all suggest that this variant is likely to be disruptive. In summary, the available evidence is currently insufficient to determine the role of this variant in disease. Therefore, it has been classified as a Variant of Uncertain Significance.

NM_201253.3(CRB1):c.3041G>A (p.Ser1014Asn)

Gene: CRB1 (crumbs cell polarity complex component 1; plus strand). Cytogenetic location: 1q31.3.
Variant type: single nucleotide variant.
Coding change: c.3041G>A on transcript NM_201253.3 (MANE Select); coding-DNA position 3041, G replaced by A.
Protein change: p.Ser1014Asn; replaces serine 1014 with asparagine.
Molecular consequence: missense variant. On other transcripts: non-coding transcript variant (2), intron variant (1).
Genome position (GRCh38, 1-based): chr1:197,434,904, G>A. VCF-style: chr1-197434904-G-A. GRCh37 (hg19) VCF-style: chr1-197404034-G-A.
Other names: c.2705G>A, p.Ser902Asn (NM_001193640.2); c.2969G>A, p.Ser990Asn (NM_001257965.2); c.2129-696G>A (NM_001257966.2); c.3041G>A (NM_201253.2); short protein forms S1014N, S902N, S990N.
Identifiers: ClinVar variation 2042412 (VCV002042412.2), dbSNP rs541014050, ClinGen allele CA1312265.